The following is an entry in ClinVar:

NM_006904.7(PRKDC):c.3676G>C (p.Gly1226Arg)

Gene: PRKDC (protein kinase, DNA-activated, catalytic subunit; minus strand). Cytogenetic location: 8q11.21.
Variant type: single nucleotide variant.
Coding change: c.3676G>C on transcript NM_006904.7 (MANE Select); coding-DNA position 3676, G replaced by C.
Protein change: p.Gly1226Arg; replaces glycine 1226 with arginine.
Molecular consequence: missense variant.
Genome position (GRCh38, 1-based): chr8:47,893,310, C>G on the plus strand (G>C on the coding strand, the complement: PRKDC is on the minus strand). VCF-style: chr8-47893310-C-G. GRCh37 (hg19) VCF-style: chr8-48805870-C-G.
Other names: c.3676G>C, p.Gly1226Arg (NM_001081640.2); short protein forms G1226R.
Identifiers: ClinVar variation 1733837 (VCV001733837.2), dbSNP rs761126676, ClinGen allele CA4741115.

ClinVar aggregate classification (germline): Uncertain significance (1 of 4 stars; one submission).

Allele frequency attached by ClinVar (database versions not stated): ExAC 0.00001; gnomAD 0.00001.
gnomAD v4.1: 10 of 1,603,488 alleles (0.00062%); highest among the groups gnomAD compares: Admixed American, 0.0068%; no homozygotes.

Submission:

Ambry Genetics
Classification: Uncertain significance. Last evaluated: 2021-11-21. Review status: criteria provided, single submitter. Criteria: Ambry Variant Classification Scheme 2023. Collection method: clinical testing. Allele origin: germline.
Comment: The p.G1226R variant (also known as c.3676G>C), located in coding exon 31 of the PRKDC gene, results from a G to C substitution at nucleotide position 3676. The glycine at codon 1226 is replaced by arginine, an amino acid with dissimilar properties. This amino acid position is conserved. In addition, the in silico prediction for this alteration is inconclusive. Since supporting evidence is limited at this time, the clinical significance of this alteration remains unclear.